The following is an entry in ClinVar:

NM_201525.4(ADGRG1):c.1473del (p.Tyr492fs)

Gene: ADGRG1 (adhesion G protein-coupled receptor G1; plus strand). Cytogenetic location: 16q21.
Variant type: Deletion.
Coding change: c.1473del on transcript NM_201525.4 (MANE Select); coding-DNA position 1473, one base deleted (G; older notation c.1473delG).
Protein change: p.Tyr492fs; shifts the reading frame from tyrosine 492.
Molecular consequence: frameshift variant.
Genome position (GRCh38, 1-based): chr16:57,659,599, G deleted; the last of 4 consecutive G bases (chr16:57,659,596-57,659,599); deleting any one gives the same sequence. VCF-style (leftmost placement, unchanged base first): chr16-57659595-AG-A. GRCh37 (hg19) VCF-style: chr16-57693507-AG-A.
Other names: c.1473del, p.Tyr492fs (NM_001145770.3, NM_001145772.3, NM_001145774.3 and 7 more transcripts); c.1491del, p.Tyr498fs (NM_001145771.3, NM_001370428.1, NM_001370429.1 and 4 more transcripts); c.1488del, p.Tyr497fs (NM_001145773.3, NM_001370433.1, NM_001370434.1); c.981del, p.Tyr328fs (NM_001290142.2); c.966del, p.Tyr323fs (NM_001290143.2); c.948del, p.Tyr317fs (NM_001290144.2, NM_001370451.1, NM_001370453.1 and 1 more transcripts); c.1470del, p.Tyr491fs (NM_001370441.1); c.1317del, p.Tyr440fs (NM_001370442.1); short protein forms Y498fs, Y317fs, Y328fs, Y440fs, Y491fs, Y497fs, Y492fs, Y323fs.
Identifiers: ClinVar variation 835987 (VCV000835987.3), dbSNP rs2046575698, ClinGen allele CA916083496.

ClinVar aggregate classification (germline): Pathogenic (1 of 4 stars; one submission).

Submission:

Labcorp Genetics (formerly Invitae), Labcorp
Classification: Pathogenic. Last evaluated: 2019-03-16. Review status: criteria provided, single submitter. Criteria: Invitae Variant Classification Sherloc (09022015). Collection method: clinical testing. Allele origin: germline.
Comment: This sequence change creates a premature translational stop signal (p.Tyr498Thrfs*22) in the ADGRG1 gene. It is expected to result in an absent or disrupted protein product. This variant is not present in population databases (ExAC no frequency). This variant has not been reported in the literature in individuals with ADGRG1-related conditions. Loss-of-function variants in ADGRG1 are known to be pathogenic (PMID: 15044805, 20929962). For these reasons, this variant has been classified as Pathogenic.

Literature cited by the submitters: PubMed 15044805; PubMed 20929962.